The following is an entry in ClinVar:

NM_000059.4(BRCA2):c.9479A>G (p.Asn3160Ser)

Gene: BRCA2 (BRCA2 DNA repair associated; plus strand). Cytogenetic location: 13q13.1.
Variant type: single nucleotide variant.
Coding change: c.9479A>G on transcript NM_000059.4 (MANE Select); coding-DNA position 9479, A replaced by G.
Protein change: p.Asn3160Ser; replaces asparagine 3160 with serine.
Molecular consequence: missense variant.
Genome position (GRCh38, 1-based): chr13:32,394,911, A>G. VCF-style: chr13-32394911-A-G. GRCh37 (hg19) VCF-style: chr13-32969048-A-G.
Other names: short protein forms N3160S.
Identifiers: ClinVar variation 1332177 (VCV001332177.2), dbSNP rs2137654448, ClinGen allele CA387761792.

ClinVar aggregate classification (germline): Uncertain significance (1 of 4 stars; one submission).

Conditions:
Hereditary cancer-predisposing syndrome. Also called: Tumor predisposition; Hereditary Cancer Syndrome; Neoplastic Syndromes, Hereditary; Hereditary neoplastic syndrome. Identifiers: Orphanet 140162, MedGen C0027672, MeSH D009386, MONDO:0015356.

Submission:

Color Diagnostics, LLC DBA Color Health
Classification: Uncertain significance for Hereditary cancer-predisposing syndrome. Last evaluated: 2021-04-30. Review status: criteria provided, single submitter. Criteria: ACMG Guidelines, 2015. Collection method: clinical testing. Allele origin: germline.
Comment: This missense variant replaces asparagine with serine at codon 3160 of the BRCA2 protein. Computational prediction suggests that this variant may not impact protein structure and function (internally defined REVEL score threshold <= 0.5, PMID: 27666373). To our knowledge, functional studies have not been reported for this variant. This variant has not been reported in individuals affected with hereditary cancer in the literature. This variant has not been identified in the general population by the Genome Aggregation Database (gnomAD). The available evidence is insufficient to determine the role of this variant in disease conclusively. Therefore, this variant is classified as a Variant of Uncertain Significance.